The following is an entry in ClinVar:

ClinVar aggregate classification (germline): Uncertain significance (1 of 4 stars; one submission).

Conditions:
Hereditary cancer-predisposing syndrome. Also called: Neoplastic Syndromes, Hereditary; Tumor predisposition; Hereditary neoplastic syndrome; Hereditary Cancer Syndrome. Identifiers: Orphanet 140162, MedGen C0027672, MeSH D009386, MONDO:0015356.

Submission:

Ambry Genetics
Classification: Uncertain significance for Hereditary cancer-predisposing syndrome. Last evaluated: 2022-12-18. Review status: criteria provided, single submitter. Criteria: Ambry Variant Classification Scheme 2023. Collection method: clinical testing. Allele origin: germline.
Comment: The p.R1530G variant (also known as c.4588A>G), located in coding exon 29 of the ALK gene, results from an A to G substitution at nucleotide position 4588. The arginine at codon 1530 is replaced by glycine, an amino acid with dissimilar properties. This amino acid position is conserved. In addition, this alteration is predicted to be tolerated by in silico analysis. Since supporting evidence is limited at this time, the clinical significance of this alteration remains unclear.

NM_004304.5(ALK):c.4588A>G (p.Arg1530Gly)

Gene: ALK (ALK receptor tyrosine kinase; minus strand). Cytogenetic location: 2p23.2.
Variant type: single nucleotide variant.
Coding change: c.4588A>G on transcript NM_004304.5 (MANE Select); coding-DNA position 4588, A replaced by G.
Protein change: p.Arg1530Gly; replaces arginine 1530 with glycine.
Molecular consequence: missense variant.
Genome position (GRCh38, 1-based): chr2:29,193,499, T>C on the plus strand (A>G on the coding strand, the complement: ALK is on the minus strand). VCF-style: chr2-29193499-T-C. GRCh37 (hg19) VCF-style: chr2-29416365-T-C.
Other names: c.1384A>G, p.Arg462Gly (NM_001353765.2); short protein forms R1530G, R462G.
Identifiers: ClinVar variation 2452106 (VCV002452106.2), dbSNP rs1432340716, ClinGen allele CA346460667.
Genomic context (GRCh38, chr2:29,193,499, plus strand): 5'-GTCTCCCAGTTGCAACGTTAGGTGGGACAGTACAGCTTCCCTCCAGCCCCAGGTTACCCC[T>C]GTCGTGTGGCTCCTTCTTTGCTATAGGATTATTCTTTTTGGTGGGTTTCTCTGTAAACCA-3'
Protein context (NP_004295.2, residues 1520-1540): NPIAKKEPHD[Arg1530Gly]GNLGLEGSCT